The following is an entry in ClinVar:

NM_014699.4(ZNF646):c.4891G>A (p.Asp1631Asn)

Gene: ZNF646 (zinc finger protein 646; plus strand). Cytogenetic location: 16p11.2.
Variant type: single nucleotide variant.
Coding change: c.4891G>A on transcript NM_014699.4 (MANE Select); coding-DNA position 4891, G replaced by A.
Protein change: p.Asp1631Asn; replaces aspartic acid 1631 with asparagine.
Molecular consequence: missense variant.
Genome position (GRCh38, 1-based): chr16:31,081,215, G>A. VCF-style: chr16-31081215-G-A. GRCh37 (hg19) VCF-style: chr16-31092536-G-A.
Other names: short protein forms D1631N.
Identifiers: ClinVar variation 2646465 (VCV002646465.24), dbSNP rs79791004, ClinGen allele CA8020355.
Genomic context (GRCh38, chr16:31,081,215, plus strand): 5'-CACAGCCAGGTGCCAGCCCAGATGGAGGAGGCCAGAGATCCCAAAGCCGGGACTGGGGAG[G>A]ACCAGGTGGTTCTCCCTGGTCAAGGGAAAGCCCAGGAGGCCCCATCAGAAACCCCCAGAG-3'
Protein context (NP_055514.3, residues 1621-1641): ARDPKAGTGE[Asp1631Asn]QVVLPGQGKA

ClinVar aggregate classification (germline): Likely benign (1 of 4 stars; one submission).

Allele frequency attached by ClinVar (database versions not stated): gnomAD 0.00124; 1000 Genomes Project 30x 0.00187; 1000 Genomes Project 0.00220; gnomAD exomes 0.00014; ExAC 0.00036; TOPMed 0.00114; ESP Exome Variant Server 0.00115.

Submission:

CeGaT Center for Human Genetics Tuebingen
Classification: Likely benign. Last evaluated: 2023-04-01. Review status: criteria provided, single submitter. Criteria: CeGaT Center For Human Genetics Tuebingen Variant Classification Criteria Version 2. Collection method: clinical testing. Allele origin: germline. Affected: yes. Observed: 1 variant allele.
Comment: ZNF646: BP4